The following is an entry in ClinVar:

NM_001276309.3(NOL3):c.-8-158C>T

Gene: NOL3 (nucleolar protein 3; plus strand). Cytogenetic location: 16q22.1.
Variant type: single nucleotide variant.
Coding change: c.-8-158C>T on transcript NM_001276309.3 (MANE Select); 158 bases into the intron before 8 bases upstream of the start codon, C replaced by T.
Molecular consequence: intron variant. On other transcripts: 5 prime UTR variant (4).
Genome position (GRCh38, 1-based): chr16:67,174,004, C>T. VCF-style: chr16-67174004-C-T. GRCh37 (hg19) VCF-style: chr16-67207907-C-T.
Other names: c.-51C>T (NM_001185057.3, NM_001276311.2, NM_001276312.3 and 1 more transcripts); c.-47-4C>T (NM_001394973.1, NM_001276307.3, NM_001394975.1 and 2 more transcripts); c.-8-158C>T (NM_001394979.1, NM_001394977.1, NM_001394974.1).
Identifiers: ClinVar variation 2682181 (VCV002682181.1), dbSNP rs2031939633, ClinGen allele CA396279855.
Genomic context (GRCh38, chr16:67,174,004, plus strand): 5'-GAGGAGACAGGACAGAGCGTCTGGAGAGGCAGGAGGACACCGAGTTCCCCGTGTTGGCCT[C>T]CAGGTCCTGTGCTTGCGGAGCCGTCCGGCGGCTGGGATCGAGGTGAACTTAAACCCCAGC-3'

ClinVar aggregate classification (germline): Uncertain significance (1 of 4 stars; one submission).

Allele frequency attached by ClinVar (database versions not stated): gnomAD 0.00001.
gnomAD v4.1: 1 of 1,542,498 alleles (0.000065%); highest among the groups gnomAD compares: South Asian, 0.0012%; no homozygotes.

Submission:

Women's Health and Genetics/Laboratory Corporation of America, LabCorp
Classification: Uncertain significance. Last evaluated: 2023-11-20. Review status: criteria provided, single submitter. Criteria: LabCorp Variant Classification Summary - May 2015. Collection method: clinical testing. Allele origin: germline.
Comment: Variant summary: NOL3 c.-51C>T is located in the untranslated mRNA region upstream of the initiation codon. The variant was absent in 141120 control chromosomes. The available data on variant occurrences in the general population are insufficient to allow any conclusion about variant significance. To our knowledge, no occurrence of c.-51C>T in individuals affected with Myoclonus, Familial, 1 and no experimental evidence demonstrating its impact on protein function have been reported. No submitters have cited clinical-significance assessments for this variant to ClinVar after 2014. Based on the evidence outlined above, the variant was classified as uncertain significance.